The following is an entry in ClinVar:

ClinVar aggregate classification (germline): Uncertain significance. Review status: criteria provided, multiple submitters, no conflicts (2 of 4 stars). 2 submissions from 2 submitters: Uncertain significance (2). Last evaluated 2025-11-21.

Conditions:
Primary dilated cardiomyopathy (DCM). Also called: Dilated Cardiomyopathy. Identifiers: Orphanet 217604, MedGen C0007193, MeSH D002311, MONDO:0005021, HP:0001644. Inheritance: Various modes of inheritance.

Allele frequency attached by ClinVar (database versions not stated): gnomAD exomes 0.00002; ExAC 0.00001; TOPMed 0.00002.
gnomAD v4.1: 34 of 1,613,134 alleles (0.0021%); highest among the groups gnomAD compares: Non-Finnish European, 0.0027%; no homozygotes.

Submissions (2):

Ambry Genetics
Classification: Uncertain significance. Last evaluated: 2025-11-21. Review status: criteria provided, single submitter. Criteria: Ambry Variant Classification Scheme 2023. Collection method: clinical testing. Allele origin: germline.

Labcorp Genetics (formerly Invitae), Labcorp
Classification: Uncertain significance for Primary dilated cardiomyopathy. Last evaluated: 2025-03-17. Review status: criteria provided, single submitter. Criteria: Invitae Variant Classification Sherloc (09022015). Collection method: clinical testing. Allele origin: germline.
Comment: This sequence change replaces arginine, which is basic and polar, with glutamine, which is neutral and polar, at codon 882 of the NEBL protein (p.Arg882Gln). This variant is present in population databases (rs758877499, gnomAD 0.006%). This variant has not been reported in the literature in individuals affected with NEBL-related conditions. ClinVar contains an entry for this variant (Variation ID: 574226). An algorithm developed to predict the effect of missense changes on protein structure and function outputs the following: PolyPhen-2: "Benign". The glutamine amino acid residue is found in multiple mammalian species, which suggests that this missense change does not adversely affect protein function. Algorithms developed to predict the effect of sequence changes on RNA splicing suggest that this variant may disrupt the consensus splice site. In summary, the available evidence is currently insufficient to determine the role of this variant in disease. Therefore, it has been classified as a Variant of Uncertain Significance.

NM_006393.3(NEBL):c.2645G>A (p.Arg882Gln)

Gene: NEBL (nebulette; minus strand). Cytogenetic location: 10p12.31.
Variant type: single nucleotide variant.
Coding change: c.2645G>A on transcript NM_006393.3 (MANE Select); coding-DNA position 2645, G replaced by A.
Protein change: p.Arg882Gln; replaces arginine 882 with glutamine.
Molecular consequence: missense variant. On other transcripts: intron variant (9).
Genome position (GRCh38, 1-based): chr10:20,808,626, C>T on the plus strand (G>A on the coding strand, the complement: NEBL is on the minus strand). VCF-style: chr10-20808626-C-T. GRCh37 (hg19) VCF-style: chr10-21097555-C-T.
Other names: c.421+4143G>A (NM_001377326.1, NM_001377327.1, NM_001377328.1); c.529+4143G>A (NM_213569.2, NM_001173484.2); c.622+1180G>A (NM_001377322.1); c.472+4143G>A (NM_001377324.1); c.463+4143G>A (NM_001377325.1); c.481+4143G>A (NM_001377323.1); short protein forms R882Q.
Identifiers: ClinVar variation 574226 (VCV000574226.15), dbSNP rs758877499, ClinGen allele CA5432373.